The following is an entry in ClinVar:

ClinVar aggregate classification (germline): Uncertain significance (1 of 4 stars; one submission).

Conditions:
Brachyolmia-amelogenesis imperfecta syndrome. Also called: Tooth agenesis, selective, 6; Dental anomalies and short stature; PLATYSPONDYLY WITH AMELOGENESIS IMPERFECTA. Identifiers: Orphanet 2899, MedGen C1832594, MONDO:0011018, OMIM 601216. Disease mechanism: loss of function.

gnomAD v4.1: 4 of 1,614,114 alleles (0.00025%); highest among the groups gnomAD compares: Non-Finnish European, 0.00034%; no homozygotes.

Submission:

Labcorp Genetics (formerly Invitae), Labcorp
Classification: Uncertain significance for Brachyolmia-amelogenesis imperfecta syndrome. Last evaluated: 2024-07-03. Review status: criteria provided, single submitter. Criteria: Invitae Variant Classification Sherloc (09022015). Collection method: clinical testing. Allele origin: germline.
Comment: This sequence change replaces glutamic acid, which is acidic and polar, with lysine, which is basic and polar, at codon 788 of the LTBP3 protein (p.Glu788Lys). This variant is not present in population databases (gnomAD no frequency). This variant has not been reported in the literature in individuals affected with LTBP3-related conditions. An algorithm developed to predict the effect of missense changes on protein structure and function (PolyPhen-2) suggests that this variant is likely to be disruptive. In summary, the available evidence is currently insufficient to determine the role of this variant in disease. Therefore, it has been classified as a Variant of Uncertain Significance.

NM_001130144.3(LTBP3):c.2362G>A (p.Glu788Lys)

Gene: LTBP3 (latent transforming growth factor beta binding protein 3; minus strand). Cytogenetic location: 11q13.1.
Variant type: single nucleotide variant.
Coding change: c.2362G>A on transcript NM_001130144.3 (MANE Select); coding-DNA position 2362, G replaced by A.
Protein change: p.Glu788Lys; replaces glutamic acid 788 with lysine.
Molecular consequence: missense variant.
Genome position (GRCh38, 1-based): chr11:65,543,541, C>T on the plus strand (G>A on the coding strand, the complement: LTBP3 is on the minus strand). VCF-style: chr11-65543541-C-T. GRCh37 (hg19) VCF-style: chr11-65311012-C-T.
Other names: c.2011G>A, p.Glu671Lys (NM_001164266.1); c.2362G>A, p.Glu788Lys (NM_021070.4); short protein forms E671K, E788K.
Identifiers: ClinVar variation 3679749 (VCV003679749.2).
Genomic context (GRCh38, chr11:65,543,541, plus strand): 5'-GGAAAGATCCTGGCGTGTTGCTGCAGATGCCATTGTCACACACGTCCCCAGCCTCACACT[C>T]GTCCACATCTGCAGGGCATAGGGGGTGTCAGAGGACCAGGCTGGGTGGTCTTGGGTTTCT-3'
Protein context (NP_001123616.1, residues 778-798): PDGRSCLDVD[Glu788Lys]CEAGDVCDNG